The following is an entry in ClinVar:

NM_053025.4(MYLK):c.2127_2137del (p.Leu710fs)

Gene: MYLK (myosin light chain kinase; minus strand). Cytogenetic location: 3q21.1.
Variant type: Deletion.
Coding change: c.2127_2137del on transcript NM_053025.4 (MANE Select); coding-DNA positions 2127 to 2137, 11 bases deleted (GCTCACGGTAC).
Protein change: p.Leu710fs; shifts the reading frame from leucine 710.
Molecular consequence: frameshift variant.
Genome position (GRCh38, 1-based): chr3:123,708,701-123,708,711, GTACCGTGAGC deleted on the plus strand (GCTCACGGTAC on the coding strand, the reverse complement: MYLK is on the minus strand). VCF-style (leftmost placement, unchanged base first): chr3-123708700-TGTACCGTGAGC-T. GRCh37 (hg19) VCF-style: chr3-123427547-TGTACCGTGAGC-T.
Other names: c.1599_1609del, p.Leu534fs (NM_001321309.2); c.1920_1930del, p.Leu641fs (NM_053026.4, NM_053028.4); c.2127_2137del, p.Leu710fs (NM_053027.4); short protein forms L641fs, L534fs, L710fs.
Identifiers: ClinVar variation 2726859 (VCV002726859.3), dbSNP rs2474302460, ClinGen allele CA2697556807.

ClinVar aggregate classification (germline): Uncertain significance (1 of 4 stars; one submission).

Conditions:
Aortic aneurysm, familial thoracic 7 (AAT7). Also called: AORTIC DISSECTION, FAMILIAL, WITH OR WITHOUT AORTIC ANEURYSM. Identifiers: MedGen C3151077, MONDO:0013418, OMIM 613780.

Submission:

Labcorp Genetics (formerly Invitae), Labcorp
Classification: Uncertain significance for Aortic aneurysm, familial thoracic 7. Last evaluated: 2023-06-24. Review status: criteria provided, single submitter. Criteria: Invitae Variant Classification Sherloc (09022015). Collection method: clinical testing. Allele origin: germline.
Comment: This variant has not been reported in the literature in individuals affected with MYLK-related conditions. In summary, the available evidence is currently insufficient to determine the role of this variant in disease. Therefore, it has been classified as a Variant of Uncertain Significance. This variant is not present in population databases (gnomAD no frequency). This sequence change creates a premature translational stop signal (p.Leu710Argfs*13) in the MYLK gene. This variant occurs in the long isoform of MYLK (PMID: 21055718). The current clinical and genetic evidence is not sufficient to establish whether loss-of-function variants in the long isoform of MYLK cause disease.

Literature cited by the submitters: PubMed 21055718.